The following is an entry in ClinVar:

ClinVar aggregate classification (germline): Uncertain significance (1 of 4 stars; one submission).

Conditions:
RASopathy. Also called: Noonan spectrum disorder; rasopathies. Identifiers: Orphanet 536391, MedGen C5555857, MONDO:0021060.

Allele frequency attached by ClinVar (database versions not stated): gnomAD exomes below 0.00001; gnomAD 0.00001; TOPMed 0.00001.
gnomAD v4.1: 4 of 1,613,902 alleles (0.00025%); highest among the groups gnomAD compares: African/African-American, 0.0053%; no homozygotes.

Submission:

Labcorp Genetics (formerly Invitae), Labcorp
Classification: Uncertain significance for RASopathy. Last evaluated: 2024-11-11. Review status: criteria provided, single submitter. Criteria: Invitae Variant Classification Sherloc (09022015). Collection method: clinical testing. Allele origin: germline.
Comment: This sequence change replaces alanine, which is neutral and non-polar, with aspartic acid, which is acidic and polar, at codon 284 of the MAP2K1 protein (p.Ala284Asp). This variant is present in population databases (no rsID available, gnomAD 0.007%). This variant has not been reported in the literature in individuals affected with MAP2K1-related conditions. ClinVar contains an entry for this variant (Variation ID: 2979649). Invitae Evidence Modeling of protein sequence and biophysical properties (such as structural, functional, and spatial information, amino acid conservation, physicochemical variation, residue mobility, and thermodynamic stability) indicates that this missense variant is not expected to disrupt MAP2K1 protein function with a negative predictive value of 95%. In summary, the available evidence is currently insufficient to determine the role of this variant in disease. Therefore, it has been classified as a Variant of Uncertain Significance.

NM_002755.4(MAP2K1):c.851C>A (p.Ala284Asp)

Gene: MAP2K1 (mitogen-activated protein kinase kinase 1; plus strand). Cytogenetic location: 15q22.31.
Variant type: single nucleotide variant.
Coding change: c.851C>A on transcript NM_002755.4 (MANE Select); coding-DNA position 851, C replaced by A.
Protein change: p.Ala284Asp; replaces alanine 284 with aspartic acid.
Molecular consequence: missense variant.
Genome position (GRCh38, 1-based): chr15:66,485,147, C>A. VCF-style: chr15-66485147-C-A. GRCh37 (hg19) VCF-style: chr15-66777485-C-A.
Other names: c.707C>A, p.Ala236Asp (NM_001411065.1); short protein forms A236D, A284D.
Identifiers: ClinVar variation 2979649 (VCV002979649.3), dbSNP rs1338185628, ClinGen allele CA392937358.